The following is an entry in ClinVar:

ClinVar aggregate classification (germline): Likely benign (1 of 4 stars; one submission).

Allele frequency attached by ClinVar (database versions not stated): gnomAD 0.00002.
gnomAD v4.1: 87 of 1,412,850 alleles (0.0062%); highest among the groups gnomAD compares: Non-Finnish European, 0.0078%; no homozygotes.

Submission:

CeGaT Center for Human Genetics Tuebingen
Classification: Likely benign. Last evaluated: 2022-12-01. Review status: criteria provided, single submitter. Criteria: CeGaT Center For Human Genetics Tuebingen Variant Classification Criteria Version 2. Collection method: clinical testing. Allele origin: germline. Affected: yes. Observed: 1 variant allele.
Comment: MYO10: BP4, BP7

NM_012334.3(MYO10):c.1620A>T (p.Ala540=)

Gene: MYO10 (myosin X; minus strand). Cytogenetic location: 5p15.1.
Variant type: single nucleotide variant.
Coding change: c.1620A>T on transcript NM_012334.3 (MANE Select); coding-DNA position 1620, A replaced by T.
Protein change: p.Ala540=; no amino-acid change (alanine 540 retained).
Molecular consequence: synonymous variant.
Genome position (GRCh38, 1-based): chr5:16,762,081, T>A on the plus strand (A>T on the coding strand, the complement: MYO10 is on the minus strand). VCF-style: chr5-16762081-T-A. GRCh37 (hg19) VCF-style: chr5-16762190-T-A.
Identifiers: ClinVar variation 2655370 (VCV002655370.24), dbSNP rs774305900, ClinGen allele CA3212084.